The following is an entry in ClinVar:

NM_138927.4(SON):c.4630G>A (p.Glu1544Lys)

Gene: SON (SON DNA and RNA binding protein; plus strand). Cytogenetic location: 21q22.11.
Variant type: single nucleotide variant.
Coding change: c.4630G>A on transcript NM_138927.4 (MANE Select); coding-DNA position 4630, G replaced by A.
Protein change: p.Glu1544Lys; replaces glutamic acid 1544 with lysine.
Molecular consequence: missense variant. On other transcripts: non-coding transcript variant (1), intron variant (1).
Genome position (GRCh38, 1-based): chr21:33,553,861, G>A. VCF-style: chr21-33553861-G-A. GRCh37 (hg19) VCF-style: chr21-34926167-G-A.
Other names: c.4630G>A, p.Glu1544Lys (NM_001291411.2, NM_001412133.1, NM_032195.3 and 2 more transcripts); c.245-3295G>A (NM_001291412.3); short protein forms E1544K.
Identifiers: ClinVar variation 3032104 (VCV003032104.2), dbSNP rs2517383083, ClinGen allele CA410163040.

ClinVar aggregate classification (germline): Uncertain significance (0 of 4 stars; one submission).

Conditions:
SON-related disorder. Also called: SON-related condition.

Submission:

PreventionGenetics, part of Exact Sciences
Classification: Uncertain significance for SON-related condition. Last evaluated: 2023-11-29. Review status: no assertion criteria provided. Collection method: clinical testing. Allele origin: germline.
Comment: The SON c.4630G>A variant is predicted to result in the amino acid substitution p.Glu1544Lys. To our knowledge, this variant has not been reported in the literature or in a large population database, indicating this variant is rare. At this time, the clinical significance of this variant is uncertain due to the absence of conclusive functional and genetic evidence.